The following is an entry in ClinVar:

NM_001846.4(COL4A2):c.242C>T (p.Pro81Leu)

Gene: COL4A2 (collagen type IV alpha 2 chain; plus strand). Cytogenetic location: 13q34.
Variant type: single nucleotide variant.
Coding change: c.242C>T on transcript NM_001846.4 (MANE Select); coding-DNA position 242, C replaced by T.
Protein change: p.Pro81Leu; replaces proline 81 with leucine.
Molecular consequence: missense variant.
Genome position (GRCh38, 1-based): chr13:110,424,795, C>T. VCF-style: chr13-110424795-C-T. GRCh37 (hg19) VCF-style: chr13-111077142-C-T.
Other names: c.242C>T (NM_001846.2); short protein forms P81L.
Identifiers: ClinVar variation 758743 (VCV000758743.10), dbSNP rs750061237, ClinGen allele CA7048815.

ClinVar aggregate classification (germline): Conflicting classifications of pathogenicity. Review status: criteria provided, conflicting classifications (1 of 4 stars). 3 submissions from 3 submitters: Uncertain significance (1); Likely benign (2). Last evaluated 2025-03-17.

Conditions:
Inborn genetic diseases. Identifiers: MedGen C0950123, MeSH D030342.

Allele frequency attached by ClinVar (database versions not stated): gnomAD 0.00006; ExAC 0.00008; TOPMed 0.00008; gnomAD exomes 0.00016.
gnomAD v4.1: 67 of 1,612,772 alleles (0.0042%); highest among the groups gnomAD compares: Admixed American, 0.063%; no homozygotes.

Submissions (3):

Women's Health and Genetics/Laboratory Corporation of America, LabCorp
Classification: Uncertain significance. Last evaluated: 2025-03-17. Review status: criteria provided, single submitter. Criteria: LabCorp Variant Classification Summary - May 2015. Collection method: clinical testing. Allele origin: germline.
Comment: Variant summary: COL4A2 c.242C>T (p.Pro81Leu) results in a non-conservative amino acid change located in the Collagen triple helix repeat (20 copies) (IPR008160) of the encoded protein sequence. Three of five in-silico tools predict a damaging effect of the variant on protein function. The variant allele was found at a frequency of 0.00016 in 249528 control chromosomes. This frequency is not significantly higher than estimated for a pathogenic variant in COL4A2 causing Porencephaly 2, allowing no conclusion about variant significance. To our knowledge, no occurrence of c.242C>T in individuals affected with Porencephaly 2 and no experimental evidence demonstrating its impact on protein function have been reported. ClinVar contains an entry for this variant (Variation ID: 758743). Based on the evidence outlined above, the variant was classified as uncertain significance.

Labcorp Genetics (formerly Invitae), Labcorp
Classification: Likely benign. Last evaluated: 2023-10-06. Review status: criteria provided, single submitter. Criteria: Invitae Variant Classification Sherloc (09022015). Collection method: clinical testing. Allele origin: germline.

Ambry Genetics
Classification: Likely benign for Inborn genetic diseases. Last evaluated: 2022-01-05. Review status: criteria provided, single submitter. Criteria: Ambry Variant Classification Scheme 2023. Collection method: clinical testing. Allele origin: germline.